The following is an entry in ClinVar:

ClinVar aggregate classification (germline): Pathogenic. Review status: criteria provided, single submitter (1 of 4 stars). 3 submissions from 3 submitters: Pathogenic (1). 2 of the submissions do not count toward it. Last evaluated 2023-05-01.

Conditions:
Autosomal recessive nonsyndromic hearing loss 9. Also called: NEUROSENSORY NONSYNDROMIC RECESSIVE DEAFNESS 9; AUDITORY NEUROPATHY, AUTOSOMAL RECESSIVE, 1, TEMPERATURE-SENSITIVE; Deafness, autosomal recessive 9; OTOF-Related Hearing Loss. Identifiers: Orphanet 90636, MedGen C1832828, MONDO:0010986, OMIM 601071.

Submissions (3):

Labcorp Genetics (formerly Invitae), Labcorp
Classification: Pathogenic. Last evaluated: 2023-05-01. Review status: criteria provided, single submitter. Criteria: Invitae Variant Classification Sherloc (09022015). Collection method: clinical testing. Allele origin: germline.
Comment: Algorithms developed to predict the effect of sequence changes on RNA splicing suggest that this variant may disrupt the consensus splice site. For these reasons, this variant has been classified as Pathogenic. ClinVar contains an entry for this variant (Variation ID: 6134). This variant is also known as ISV8-2A>G. Disruption of this splice site has been observed in individual(s) with hearing loss (PMID: 10903124, 28075205, 33528103). It has also been observed to segregate with disease in related individuals. This variant is not present in population databases (gnomAD no frequency). This sequence change affects an acceptor splice site in intron 8 of the OTOF gene. It is expected to disrupt RNA splicing. Variants that disrupt the donor or acceptor splice site typically lead to a loss of protein function (PMID: 16199547), and loss-of-function variants in OTOF are known to be pathogenic (PMID: 18381613, 19250381, 22575033).

OMIM
Classification: Pathogenic for DEAFNESS, AUTOSOMAL RECESSIVE 9. Last evaluated: 2000-09-01. Review status: no assertion criteria provided. Collection method: literature only. Allele origin: germline. Not counted in ClinVar's aggregate classification.

GeneReviews
No classification provided. Condition: Autosomal recessive nonsyndromic hearing loss 9. Review status: no classification provided. Collection method: literature only. Allele origin: unknown. Not counted in ClinVar's aggregate classification.

Literature cited by the submitters: PubMed 10903124 (cited by 3 submitters); PubMed 28075205 (cited by Labcorp Genetics (formerly Invitae), Labcorp); PubMed 33528103 (cited by Labcorp Genetics (formerly Invitae), Labcorp); PubMed 16199547 (cited by Labcorp Genetics (formerly Invitae), Labcorp); PubMed 18381613 (cited by Labcorp Genetics (formerly Invitae), Labcorp); PubMed 19250381 (cited by Labcorp Genetics (formerly Invitae), Labcorp); PubMed 22575033 (cited by Labcorp Genetics (formerly Invitae), Labcorp); PubMed 20301429 (cited by GeneReviews); NCBI Bookshelf NBK1251 (cited by GeneReviews).

NM_194248.3(OTOF):c.766-2A>G

Gene: OTOF (otoferlin; minus strand). Cytogenetic location: 2p23.3.
Variant type: single nucleotide variant.
Coding change: c.766-2A>G on transcript NM_194248.3 (MANE Select); the canonical splice acceptor site of the intron before coding-DNA position 766, A replaced by G.
Molecular consequence: splice acceptor variant.
Genome position (GRCh38, 1-based): chr2:26,495,075, T>C on the plus strand (A>G on the coding strand, the complement: OTOF is on the minus strand). VCF-style: chr2-26495075-T-C. GRCh37 (hg19) VCF-style: chr2-26717943-T-C.
Other names: IVS8AS, A-G, -2; c.766-2A>G (NM_001287489.2).
Identifiers: ClinVar variation 6134 (VCV000006134.6), dbSNP rs80356584, ClinGen allele CA340524.